The following is an entry in ClinVar:

NM_006904.7(PRKDC):c.11053C>A (p.Pro3685Thr)

Gene: PRKDC (protein kinase, DNA-activated, catalytic subunit; minus strand). Cytogenetic location: 8q11.21.
Variant type: single nucleotide variant.
Coding change: c.11053C>A on transcript NM_006904.7 (MANE Select); coding-DNA position 11053, C replaced by A.
Protein change: p.Pro3685Thr; replaces proline 3685 with threonine.
Molecular consequence: missense variant.
Genome position (GRCh38, 1-based): chr8:47,785,167, G>T on the plus strand (C>A on the coding strand, the complement: PRKDC is on the minus strand). VCF-style: chr8-47785167-G-T. GRCh37 (hg19) VCF-style: chr8-48697728-G-T.
Other names: c.11053C>A, p.Pro3685Thr (NM_001081640.2); short protein forms P3685T.
Identifiers: ClinVar variation 1793450 (VCV001793450.2), dbSNP rs760087572, ClinGen allele CA4739201.

ClinVar aggregate classification (germline): Uncertain significance (1 of 4 stars; one submission).

Allele frequency attached by ClinVar (database versions not stated): ExAC 0.00002.
gnomAD v4.1: 3 of 1,613,928 alleles (0.00019%); highest among the groups gnomAD compares: Non-Finnish European, 0.00025%; no homozygotes.

Submission:

Ambry Genetics
Classification: Uncertain significance. Last evaluated: 2022-10-27. Review status: criteria provided, single submitter. Criteria: Ambry Variant Classification Scheme 2023. Collection method: clinical testing. Allele origin: germline.
Comment: The p.P3685T variant (also known as c.11053C>A), located in coding exon 77 of the PRKDC gene, results from a C to A substitution at nucleotide position 11053. The proline at codon 3685 is replaced by threonine, an amino acid with highly similar properties. This amino acid position is conserved. In addition, this alteration is predicted to be deleterious by in silico analysis. Since supporting evidence is limited at this time, the clinical significance of this alteration remains unclear.